The following is an entry in ClinVar:

ClinVar aggregate classification (germline): Uncertain significance. Review status: criteria provided, multiple submitters, no conflicts (2 of 4 stars). 4 submissions from 4 submitters: Uncertain significance (4). Last evaluated 2026-08-17.

Conditions:
ABCB4-related disorder. Also called: ABCB4-related disorders; ABCB4-related condition.
Familial intrahepatic cholestasis. Identifiers: Orphanet 284385, MedGen CN296401, MONDO:0017290.

Allele frequency attached by ClinVar (database versions not stated): gnomAD 0.00001; gnomAD exomes 0.00002 and 0.00005; TOPMed 0.00002; ExAC 0.00007.
gnomAD v4.1: 30 of 1,613,836 alleles (0.0019%); highest among the groups gnomAD compares: Middle Eastern, 0.016%; no homozygotes.

Submissions (4):

PreventionGenetics, part of Exact Sciences
Classification: Uncertain significance for ABCB4-related condition. Last evaluated: 2026-08-17. Review status: criteria provided, single submitter. Criteria: ACMG Guidelines, 2015. Collection method: clinical testing. Allele origin: germline.
Comment: The ABCB4 c.2000C>T variant is predicted to result in the amino acid substitution p.Thr667Ile. This variant has been reported in an individual with progressive familial intrahepatic cholestasis (Floreani et al. 2008. PubMed ID: 18083082). This variant is reported in 0.0079% of alleles in individuals of European (Non-Finnish) descent in gnomAD. At this time, the clinical significance of this variant is uncertain due to the absence of conclusive functional and genetic evidence.

Genomenon, Inc
Classification: Uncertain significance for Familial intrahepatic cholestasis. Last evaluated: 2026-04-14. Review status: criteria provided, single submitter. Criteria: Genomenon Sequence Variant Interpretation Standards - Updated. Collection method: curation. Allele origin: germline. Affected: yes.
Comment: ABCB4 p.Thr667Ile (c.2000C>T) is a missense variant that changes the amino acid at residue 667 from Threonine to Isoleucine. This variant has been observed in at least one proband with an ABCB4-related disorder (PMID:18083082). It is absent or not present at a significant frequency in gnomAD. In conclusion, we classify ABCB4 p.Thr667Ile (c.2000C>T) as a variant of uncertain significance.

CeGaT Center for Human Genetics Tuebingen
Classification: Uncertain significance. Last evaluated: 2024-05-01. Review status: criteria provided, single submitter. Criteria: CeGaT Center For Human Genetics Tuebingen Variant Classification Criteria Version 2. Collection method: clinical testing. Allele origin: germline. Affected: yes. Observed: 1 variant allele.
Comment: ABCB4: PM2, BP4

Women's Health and Genetics/Laboratory Corporation of America, LabCorp
Classification: Uncertain significance. Last evaluated: 2022-05-31. Review status: criteria provided, single submitter. Criteria: LabCorp Variant Classification Summary - May 2015. Collection method: clinical testing. Allele origin: germline.
Comment: Variant summary: ABCB4 c.2000C>T (p.Thr667Ile) results in a non-conservative amino acid change in the encoded protein sequence. Four of five in-silico tools predict a benign effect of the variant on protein function. The variant allele was found at a frequency of 5.2e-05 in 251146 control chromosomes. This frequency is not significantly higher than expected for a pathogenic variant in ABCB4 causing Familial Intrahepatic Cholestasis (5.2e-05 vs 0.0022), allowing no conclusion about variant significance. c.2000C>T has been reported in the literature as a non-informative genotype (heterozygous, second allele not specified) in cohorts with cholestasis (example, Avena_2021, Floreani_2008). These report(s) do not provide unequivocal conclusions about association of the variant with Familial Intrahepatic Cholestasis. To our knowledge, no experimental evidence demonstrating an impact on protein function has been reported. No clinical diagnostic laboratories have submitted clinical-significance assessments for this variant to ClinVar after 2014. Based on the evidence outlined above, the variant was classified as uncertain significance.

Literature cited by the submitters: PubMed 18083082 (cited by Genomenon, Inc and Women's Health and Genetics/Laboratory Corporation of America, LabCorp); PubMed 33390354 (cited by Women's Health and Genetics/Laboratory Corporation of America, LabCorp).

NM_000443.4(ABCB4):c.2000C>T (p.Thr667Ile)

Gene: ABCB4 (ATP binding cassette subfamily B member 4; minus strand). Cytogenetic location: 7q21.12.
Variant type: single nucleotide variant.
Coding change: c.2000C>T on transcript NM_000443.4 (MANE Select); coding-DNA position 2000, C replaced by T.
Protein change: p.Thr667Ile; replaces threonine 667 with isoleucine.
Molecular consequence: missense variant.
Genome position (GRCh38, 1-based): chr7:87,426,814, G>A on the plus strand (C>T on the coding strand, the complement: ABCB4 is on the minus strand). VCF-style: chr7-87426814-G-A. GRCh37 (hg19) VCF-style: chr7-87056130-G-A.
Other names: c.2000C>T, p.Thr667Ile (NM_018849.3, NM_018850.3); short protein forms T667I.
Identifiers: ClinVar variation 1696135 (VCV001696135.22), dbSNP rs756777858, ClinGen allele CA4327151.